The following is an entry in ClinVar:

NM_000355.4(TCN2):c.653G>A (p.Arg218Gln)

Gene: TCN2 (transcobalamin 2; plus strand). Cytogenetic location: 22q12.2.
Variant type: single nucleotide variant.
Coding change: c.653G>A on transcript NM_000355.4 (MANE Select); coding-DNA position 653, G replaced by A.
Protein change: p.Arg218Gln; replaces arginine 218 with glutamine.
Molecular consequence: missense variant.
Genome position (GRCh38, 1-based): chr22:30,615,373, G>A. VCF-style: chr22-30615373-G-A. GRCh37 (hg19) VCF-style: chr22-31011360-G-A.
Other names: c.572G>A, p.Arg191Gln (NM_001184726.2); c.653G>A (NM_000355.3); short protein forms R191Q, R218Q.
Identifiers: ClinVar variation 1416420 (VCV001416420.5), dbSNP rs759762355, ClinGen allele CA10184767.

ClinVar aggregate classification (germline): Uncertain significance. Review status: criteria provided, multiple submitters, no conflicts (2 of 4 stars). 2 submissions from 2 submitters: Uncertain significance (2). Last evaluated 2025-11-19.

Conditions:
Inborn genetic diseases. Identifiers: MedGen C0950123, MeSH D030342.
Transcobalamin II deficiency (TCN2D). Also called: TC II DEFICIENCY; TCN2 DEFICIENCY; Transcolabamin II deficiency. Identifiers: Orphanet 859, MedGen C0342701, MONDO:0010149, OMIM 275350.

Allele frequency attached by ClinVar (database versions not stated): TOPMed 0.00002; ExAC 0.00003; gnomAD 0.00003 and 0.00004; gnomAD exomes 0.00003.
gnomAD v4.1: 73 of 1,614,046 alleles (0.0045%); highest among the groups gnomAD compares: Middle Eastern, 0.016%; no homozygotes.

Submissions (2):

Labcorp Genetics (formerly Invitae), Labcorp
Classification: Uncertain significance for Transcobalamin II deficiency. Last evaluated: 2025-11-19. Review status: criteria provided, single submitter. Criteria: Invitae Variant Classification Sherloc (09022015). Collection method: clinical testing. Allele origin: germline.
Comment: This sequence change replaces arginine, which is basic and polar, with glutamine, which is neutral and polar, at codon 218 of the TCN2 protein (p.Arg218Gln). This variant is present in population databases (rs759762355, gnomAD 0.006%). This variant has not been reported in the literature in individuals affected with TCN2-related conditions. ClinVar contains an entry for this variant (Variation ID: 1416420). Invitae Evidence Modeling of protein sequence and biophysical properties (such as structural, functional, and spatial information, amino acid conservation, physicochemical variation, residue mobility, and thermodynamic stability) indicates that this missense variant is not expected to disrupt TCN2 protein function with a negative predictive value of 80%. In summary, the available evidence is currently insufficient to determine the role of this variant in disease. Therefore, it has been classified as a Variant of Uncertain Significance.

Ambry Genetics
Classification: Uncertain significance for Inborn genetic diseases. Last evaluated: 2024-11-25. Review status: criteria provided, single submitter. Criteria: Ambry Variant Classification Scheme 2023. Collection method: clinical testing. Allele origin: germline.